The following is an entry in ClinVar:

NM_000503.6(EYA1):c.602C>G (p.Ser201Ter)

Gene: EYA1 (EYA transcriptional coactivator and phosphatase 1; minus strand). Cytogenetic location: 8q13.3.
Variant type: single nucleotide variant.
Coding change: c.602C>G on transcript NM_000503.6 (MANE Select); coding-DNA position 602, C replaced by G.
Protein change: p.Ser201Ter; replaces serine 201 with a stop codon.
Molecular consequence: nonsense.
Genome position (GRCh38, 1-based): chr8:71,299,675, G>C on the plus strand (C>G on the coding strand, the complement: EYA1 is on the minus strand). VCF-style: chr8-71299675-G-C. GRCh37 (hg19) VCF-style: chr8-72211910-G-C.
Other names: c.584C>G, p.Ser195Ter (NM_001288574.2); c.236C>G, p.Ser79Ter (NM_001288575.2); c.689C>G, p.Ser230Ter (NM_001370333.1); c.602C>G, p.Ser201Ter (NM_001370334.1, NM_001370335.1, NM_172058.4); c.671C>G, p.Ser224Ter (NM_001370336.1); c.674C>G, p.Ser225Ter (NM_172059.5); c.602C>G (NM_172058.3, NM_000503.4); short protein forms S201*, S225*, S224*, S79*, S230*, S195*.
Identifiers: ClinVar variation 597222 (VCV000597222.11), dbSNP rs1563423589, ClinGen allele CA371467639.
Genomic context (GRCh38, chr8:71,299,675, plus strand): 5'-GTTAAACTGGCTTTTTAAATTACCTGCTGTGAACTATTAAATCCAGAGGAATTTGTGAGT[G>C]AATTATTTCCTGTATATATTCCTGATGATGTTGTAAAACTGCTACCTAAAACAAAATGAA-3'

ClinVar aggregate classification (germline): Pathogenic. Review status: criteria provided, multiple submitters, no conflicts (2 of 4 stars). 4 submissions from 4 submitters: Pathogenic (3). 1 of the submissions does not count toward it. Last evaluated 2023-12-17.

Conditions:
Melnick-Fraser syndrome (BOR). Also called: Branchio-oto-renal syndrome; Branchiootorenal Syndrome (BORS); Branchiootorenal syndrome. Identifiers: Orphanet 107, MedGen C0265234, MONDO:0007029.
EYA1-related disorder. Also called: EYA1-related condition.

Submissions (4):

Labcorp Genetics (formerly Invitae), Labcorp
Classification: Pathogenic for Melnick-Fraser syndrome. Last evaluated: 2023-12-17. Review status: criteria provided, single submitter. Criteria: Invitae Variant Classification Sherloc (09022015). Collection method: clinical testing. Allele origin: germline.
Comment: This sequence change creates a premature translational stop signal (p.Ser201*) in the EYA1 gene. It is expected to result in an absent or disrupted protein product. Loss-of-function variants in EYA1 are known to be pathogenic (PMID: 10464653, 18220287). This variant is not present in population databases (gnomAD no frequency). This premature translational stop signal has been observed in individual(s) with Branchiootorenal syndrome (PMID: 18220287). ClinVar contains an entry for this variant (Variation ID: 597222). For these reasons, this variant has been classified as Pathogenic.

GeneDx
Classification: Pathogenic. Last evaluated: 2023-08-24. Review status: criteria provided, single submitter. Criteria: GeneDx Variant Classification Process June 2021. Collection method: clinical testing. Allele origin: germline. Affected: yes.
Comment: Nonsense variant predicted to result in protein truncation or nonsense mediated decay in a gene for which loss of function is a known mechanism of disease; Not observed at significant frequency in large population cohorts (gnomAD); This variant is associated with the following publications: (PMID: 25525159, 18220287)

Eurofins Ntd Llc (ga)
Classification: Pathogenic. Last evaluated: 2018-05-30. Review status: criteria provided, single submitter. Criteria: EGL ClinVar v180209 classification definitions. Collection method: clinical testing. Allele origin: germline. Observed: 1 variant allele, 1 heterozygote.

PreventionGenetics, part of Exact Sciences
Classification: Pathogenic for EYA1-related condition. Last evaluated: 2024-02-20. Review status: no assertion criteria provided. Collection method: clinical testing. Allele origin: germline. Not counted in ClinVar's aggregate classification.
Comment: The EYA1 c.602C>G variant is predicted to result in premature protein termination (p.Ser201*). This variant was reported in an individual with branchiootorenal syndrome and found to be causative (Orten et al. 2008. PubMed ID: 18220287). This variant has not been reported in a large population database, indicating this variant is rare. Nonsense variants in EYA1 are expected to be pathogenic. This variant is interpreted as pathogenic.

Literature cited by the submitters: PubMed 10464653 (cited by Labcorp Genetics (formerly Invitae), Labcorp); PubMed 18220287 (cited by Labcorp Genetics (formerly Invitae), Labcorp and Eurofins Ntd Llc (ga)).